The following is an entry in ClinVar:

ClinVar aggregate classification (germline): Uncertain significance (1 of 4 stars; one submission).

Submission:

Dasa
Classification: Uncertain significance. Last evaluated: 2025-05-21. Review status: criteria provided, single submitter. Criteria: DASA Assertion Criteria. Collection method: clinical testing. Allele origin: germline.
Comment: NM_014975.3(MAST1):c.686G>A (p.Arg229Gln) is a missense variant that results in the substitution of arginine with glutamine. This variant is absent from population databases. The currently available literature and clinical evidence are not sufficient to establish a definitive association between this variant and the reported condition. Therefore, this variant is classified as a variant of uncertain significance.

NM_014975.3(MAST1):c.686G>A (p.Arg229Gln)

Genes: MAST1 (microtubule associated serine/threonine kinase 1; plus strand), LOC117125587 (CRISPRi-FlowFISH-validated KLF1 and PRDX2 regulatory element; plus strand). Cytogenetic location: 19p13.13.
Variant type: single nucleotide variant.
Coding change: c.686G>A on transcript NM_014975.3 (MANE Select); coding-DNA position 686, G replaced by A.
Protein change: p.Arg229Gln; replaces arginine 229 with glutamine.
Molecular consequence: missense variant.
Genome position (GRCh38, 1-based): chr19:12,847,969, G>A. VCF-style: chr19-12847969-G-A. GRCh37 (hg19) VCF-style: chr19-12958783-G-A.
Other names: short protein forms R229Q.
Identifiers: ClinVar variation 4883660 (VCV004883660.2).